The following is an entry in ClinVar:

NM_005982.4(SIX1):c.614C>T (p.Pro205Leu)

Gene: SIX1 (SIX homeobox 1; minus strand). Cytogenetic location: 14q23.1.
Variant type: single nucleotide variant.
Coding change: c.614C>T on transcript NM_005982.4 (MANE Select); coding-DNA position 614, C replaced by T.
Protein change: p.Pro205Leu; replaces proline 205 with leucine.
Molecular consequence: missense variant. On other transcripts: 3 prime UTR variant (1).
Genome position (GRCh38, 1-based): chr14:60,646,524, G>A on the plus strand (C>T on the coding strand, the complement: SIX1 is on the minus strand). VCF-style: chr14-60646524-G-A. GRCh37 (hg19) VCF-style: chr14-61113242-G-A.
Other names: c.*33C>T (NM_001425142.1); c.614C>T (NM_005982.3); short protein forms P205L.
Identifiers: ClinVar variation 3751028 (VCV003751028.3).

ClinVar aggregate classification (germline): Uncertain significance. Review status: criteria provided, multiple submitters, no conflicts (2 of 4 stars). 2 submissions from 2 submitters: Uncertain significance (2). Last evaluated 2026-04-01.

Conditions:
Branchiootic syndrome 3 (BOS3). Also called: BO SYNDROME 3. Identifiers: MedGen C1842124, MONDO:0012025, OMIM 608389.
Autosomal dominant nonsyndromic hearing loss 23. Identifiers: Orphanet 90635, MedGen C1854594, MONDO:0011519, OMIM 605192.

Submissions (2):

GeneDx
Classification: Uncertain significance. Last evaluated: 2026-04-01. Review status: criteria provided, single submitter. Criteria: GeneDx Variant Classification Process June 2021. Collection method: clinical testing. Allele origin: germline.
Comment: In silico analysis suggests that this missense variant does not alter protein structure/function; Has not been previously published as pathogenic or benign to our knowledge

Labcorp Genetics (formerly Invitae), Labcorp
Classification: Uncertain significance for Autosomal dominant nonsyndromic hearing loss 23; Branchiootic syndrome 3. Last evaluated: 2024-05-31. Review status: criteria provided, single submitter. Criteria: Invitae Variant Classification Sherloc (09022015). Collection method: clinical testing. Allele origin: germline.
Comment: This sequence change replaces proline, which is neutral and non-polar, with leucine, which is neutral and non-polar, at codon 205 of the SIX1 protein (p.Pro205Leu). This variant is present in population databases (rs781397777, gnomAD 0.01%). This variant has not been reported in the literature in individuals affected with SIX1-related conditions. Advanced modeling of protein sequence and biophysical properties (such as structural, functional, and spatial information, amino acid conservation, physicochemical variation, residue mobility, and thermodynamic stability) performed at Invitae indicates that this missense variant is not expected to disrupt SIX1 protein function with a negative predictive value of 80%. In summary, the available evidence is currently insufficient to determine the role of this variant in disease. Therefore, it has been classified as a Variant of Uncertain Significance.